The following is an entry in ClinVar:

NM_000334.4(SCN4A):c.4754C>T (p.Ser1585Phe)

Genes: GH-LCR (growth hormone locus control region; plus strand), SCN4A (sodium voltage-gated channel alpha subunit 4; minus strand). Cytogenetic location: 17q23.3.
Variant type: single nucleotide variant.
Coding change: c.4754C>T on transcript NM_000334.4 (MANE Select); coding-DNA position 4754, C replaced by T.
Protein change: p.Ser1585Phe; replaces serine 1585 with phenylalanine.
Molecular consequence: missense variant.
Genome position (GRCh38, 1-based): chr17:63,941,528, G>A on the plus strand (C>T on the coding strand, the complement: SCN4A is on the minus strand). VCF-style: chr17-63941528-G-A. GRCh37 (hg19) VCF-style: chr17-62018888-G-A.
Other names: short protein forms S1585F.
Identifiers: ClinVar variation 2135748 (VCV002135748.6), dbSNP rs1414517272, ClinGen allele CA400615046.

ClinVar aggregate classification (germline): Uncertain significance. Review status: criteria provided, multiple submitters, no conflicts (2 of 4 stars). 3 submissions from 3 submitters: Uncertain significance (3). Last evaluated 2025-01-30.

Conditions:
Hyperkalemic periodic paralysis. Also called: Familial hyperkalemic periodic paralysis; Gamstorp disease. Identifiers: Orphanet 682, MedGen C0238357, MONDO:0008224, OMIM 170500, HP:0007215.
Potassium-aggravated myotonia. Also called: MYOTONIA CONGENITA, ACETAZOLAMIDE-RESPONSIVE; MYOTONIA CONGENITA, ATYPICAL; SODIUM CHANNEL MUSCLE DISEASE; Myotonia congenita, atypical, acetazolamide-responsive. Identifiers: Orphanet 612, Orphanet 99734, Orphanet 99735, Orphanet 99736, MedGen C2931826, MONDO:0018959, OMIM 608390.
Paramyotonia congenita of Von Eulenburg. Also called: PARALYSIS PERIODICA PARAMYOTONICA; Eulenburg disease; Myotonia congenita intermittens; Von Eulenburg paramyotonia congenita; Paramyotonia Congenita. Identifiers: Orphanet 684, MedGen C0221055, MONDO:0008195, OMIM 168300. Disease mechanism: loss of function.
Congenital myopathy 22A, classic (CMYO22A). Identifiers: MedGen C5830453, MONDO:0957247, OMIM 620351.
Congenital myopathy 22B, severe fetal (CMYO22B). Identifiers: MedGen C5830501, MONDO:0957265, OMIM 620369.
Congenital myasthenic syndrome 16. Identifiers: Orphanet 590, MedGen C3280112, MONDO:0013620, OMIM 614198.
Hypokalemic periodic paralysis, type 2 (HOKPP2). Identifiers: Orphanet 681, MedGen C2750061, MONDO:0013234, OMIM 613345.

Allele frequency attached by ClinVar (database versions not stated): TOPMed below 0.00001.

Submissions (3):

Athena Diagnostics
Classification: Uncertain significance. Last evaluated: 2025-01-30. Review status: criteria provided, single submitter. Criteria: Athena Diagnostics Criteria. Collection method: clinical testing. Allele origin: unknown.

Fulgent Genetics
Classification: Uncertain significance for Paramyotonia congenita of Von Eulenburg; Hyperkalemic periodic paralysis; Potassium-aggravated myotonia; Hypokalemic periodic paralysis, type 2; Congenital myasthenic syndrome 16; Congenital myopathy 22A, classic; Congenital myopathy 22B, severe fetal. Last evaluated: 2023-12-27. Review status: criteria provided, single submitter. Criteria: ACMG Guidelines, 2015. Collection method: clinical testing. Allele origin: germline.

Labcorp Genetics (formerly Invitae), Labcorp
Classification: Uncertain significance for Hyperkalemic periodic paralysis. Last evaluated: 2022-06-01. Review status: criteria provided, single submitter. Criteria: Invitae Variant Classification Sherloc (09022015). Collection method: clinical testing. Allele origin: germline.
Comment: This variant is present in population databases (no rsID available, gnomAD 0.0009%). This sequence change replaces serine, which is neutral and polar, with phenylalanine, which is neutral and non-polar, at codon 1585 of the SCN4A protein (p.Ser1585Phe). This variant has not been reported in the literature in individuals affected with SCN4A-related conditions. In summary, the available evidence is currently insufficient to determine the role of this variant in disease. Therefore, it has been classified as a Variant of Uncertain Significance. Algorithms developed to predict the effect of missense changes on protein structure and function (SIFT, PolyPhen-2, Align-GVGD) all suggest that this variant is likely to be disruptive.